The following is an entry in ClinVar:

NM_000528.4(MAN2B1):c.719G>A (p.Arg240Gln)

Gene: MAN2B1 (mannosidase alpha class 2B member 1; minus strand). Cytogenetic location: 19p13.13.
Variant type: single nucleotide variant.
Coding change: c.719G>A on transcript NM_000528.4 (MANE Select); coding-DNA position 719, G replaced by A.
Protein change: p.Arg240Gln; replaces arginine 240 with glutamine.
Molecular consequence: missense variant.
Genome position (GRCh38, 1-based): chr19:12,663,747, C>T on the plus strand (G>A on the coding strand, the complement: MAN2B1 is on the minus strand). VCF-style: chr19-12663747-C-T. GRCh37 (hg19) VCF-style: chr19-12774561-C-T.
Other names: p.Arg240Gln; c.719G>A, p.Arg240Gln (NM_001173498.2); short protein forms R240Q.
Identifiers: ClinVar variation 328277 (VCV000328277.18), dbSNP rs11554970, ClinGen allele CA9226731.

ClinVar aggregate classification (germline): Benign/Likely benign. Review status: criteria provided, multiple submitters, no conflicts (2 of 4 stars). 5 submissions from 5 submitters: Benign (1); Likely benign (3). 1 of the submissions does not count toward it. Last evaluated 2026-01-25.

Conditions:
Deficiency of alpha-mannosidase (MANSA). Also called: Alpha-Mannosidosis; LYSOSOMAL ALPHA-D-MANNOSIDASE DEFICIENCY; Mannosidosis, alpha-, types I and II. Identifiers: Orphanet 61, MedGen C0024748, MONDO:0009561, OMIM 248500.

Allele frequency attached by ClinVar (database versions not stated): gnomAD exomes 0.00018 and 0.00077; gnomAD 0.00027 and 0.00031; TOPMed 0.00041; 1000 Genomes Project 0.00160; ExAC 0.00077; 1000 Genomes Project 30x 0.00141.
gnomAD v4.1: 321 of 1,614,002 alleles (0.02%); highest among the groups gnomAD compares: East Asian, 0.59%; 1 homozygote.

Submissions (5):

Labcorp Genetics (formerly Invitae), Labcorp
Classification: Benign for Deficiency of alpha-mannosidase. Last evaluated: 2026-01-25. Review status: criteria provided, single submitter. Criteria: Invitae Variant Classification Sherloc (09022015). Collection method: clinical testing. Allele origin: germline.

Blueprint Genetics
Classification: Likely benign. Last evaluated: 2024-08-11. Review status: criteria provided, single submitter. Criteria: ACMG Guidelines, 2015. Collection method: clinical testing. Allele origin: germline.

Mayo Clinic Laboratories, Mayo Clinic
Classification: Likely benign. Last evaluated: 2019-12-27. Review status: criteria provided, single submitter. Criteria: ACMG Guidelines, 2015. Collection method: clinical testing. Allele origin: germline. Observed: 2 variant alleles.

Illumina Laboratory Services, Illumina
Classification: Likely benign for Deficiency of alpha-mannosidase. Last evaluated: 2018-01-13. Review status: criteria provided, single submitter. Criteria: ICSL Variant Classification Criteria 13 December 2019. Collection method: clinical testing. Allele origin: germline.
Comment: This variant was observed in the ICSL laboratory as part of a predisposition screen in an ostensibly healthy population. It had not been previously curated by ICSL or reported in the Human Gene Mutation Database (HGMD: prior to June 1st, 2018), and was therefore a candidate for classification through an automated scoring system. Utilizing variant allele frequency, disease prevalence and penetrance estimates, and inheritance mode, an automated score was calculated to assess if this variant is too frequent to cause the disease. Based on the score and internal cut-off values, a variant classified as likely benign is not then subjected to further curation. The score for this variant resulted in a classification of likely benign for this disease.

Natera, Inc.
Classification: Benign for Alpha-mannosidosis. Last evaluated: 2020-01-11. Review status: no assertion criteria provided. Collection method: clinical testing. Allele origin: germline. Not counted in ClinVar's aggregate classification.